The following is an entry in ClinVar:

NM_001393504.1(MAST3):c.1368G>A (p.Val456=)

Gene: MAST3 (microtubule associated serine/threonine kinase 3; plus strand). Cytogenetic location: 19p13.11.
Variant type: single nucleotide variant.
Coding change: c.1368G>A on transcript NM_001393504.1 (MANE Select); coding-DNA position 1368, G replaced by A.
Protein change: p.Val456=; no amino-acid change (valine 456 retained).
Molecular consequence: synonymous variant.
Genome position (GRCh38, 1-based): chr19:18,130,638, G>A. VCF-style: chr19-18130638-G-A. GRCh37 (hg19) VCF-style: chr19-18241448-G-A.
Other names: c.1281G>A (NM_015016.1); c.1392G>A, p.Val464= (NM_001393501.1); c.1371G>A, p.Val457= (NM_001393502.1); c.1368G>A, p.Val456= (NM_001393503.1); c.1365G>A, p.Val455= (NM_001393505.1); c.1320G>A, p.Val440= (NM_001393506.1, NM_001393513.1); c.1347G>A, p.Val449= (NM_001393507.1); c.1302G>A, p.Val434= (NM_001393508.1, NM_001393516.1); and 5 more.
Identifiers: ClinVar variation 4872132 (VCV004872132.3).

ClinVar aggregate classification (germline): Benign/Likely benign. Review status: criteria provided, multiple submitters, no conflicts (2 of 4 stars). 2 submissions from 2 submitters: Benign (1); Likely benign (1). Last evaluated 2026-06-01.

Conditions:
MAST3-related disorder.

gnomAD v4.1: 468 of 1,614,124 alleles (0.029%); highest among the groups gnomAD compares: African/African-American, 0.57%; 3 homozygotes.

Submissions (2):

CeGaT Center for Human Genetics Tuebingen
Classification: Likely benign. Last evaluated: 2026-06-01. Review status: criteria provided, single submitter. Criteria: CeGaT Center For Human Genetics Tuebingen Variant Classification Criteria Version 2. Collection method: clinical testing. Allele origin: germline. Affected: yes. Observed: 1 variant allele.
Comment: MAST3: BP4, BP7, BS1

PreventionGenetics, part of Exact Sciences
Classification: Benign for MAST3-related condition. Last evaluated: 2024-11-09. Review status: criteria provided, single submitter. Criteria: ACMG Guidelines, 2015. Collection method: clinical testing. Allele origin: germline.
Comment: This variant is classified as benign based on ACMG/AMP sequence variant interpretation guidelines (Richards et al. 2015 PMID: 25741868, with internal and published modifications).